The following is an entry in ClinVar:

NM_015570.4(AUTS2):c.3548G>A (p.Ser1183Asn)

Gene: AUTS2 (activator of transcription and developmental regulator AUTS2; plus strand). Cytogenetic location: 7q11.22.
Variant type: single nucleotide variant.
Coding change: c.3548G>A on transcript NM_015570.4 (MANE Select); coding-DNA position 3548, G replaced by A.
Protein change: p.Ser1183Asn; replaces serine 1183 with asparagine.
Molecular consequence: missense variant.
Genome position (GRCh38, 1-based): chr7:70,790,764, G>A. VCF-style: chr7-70790764-G-A. GRCh37 (hg19) VCF-style: chr7-70255750-G-A.
Other names: c.3476G>A, p.Ser1159Asn (NM_001127231.3); short protein forms S1159N, S1183N.
Identifiers: ClinVar variation 703257 (VCV000703257.25), dbSNP rs565725329, ClinGen allele CA4281369.
Genomic context (GRCh38, chr7:70,790,764, plus strand): 5'-AGCACACGCGGCTCCACTCCGTGCACCCCGCCTCCCTCGACGGACACCTCCCCCACCCCA[G>A]CCTCATCACCCCGGGACTCCCCAGCATGCACTATCCCCGCATCAGCCCCACCGCGGGCAA-3'
Protein context (NP_056385.1, residues 1173-1193): ASLDGHLPHP[Ser1183Asn]LITPGLPSMH

ClinVar aggregate classification (germline): Benign/Likely benign. Review status: criteria provided, multiple submitters, no conflicts (2 of 4 stars). 5 submissions from 5 submitters: Benign (2); Likely benign (2). 1 of the submissions does not count toward it. Last evaluated 2025-11-23.

Conditions:
AUTS2-related disorder. Also called: AUTS2-related condition.
Inborn genetic diseases. Identifiers: MedGen C0950123, MeSH D030342.

Allele frequency attached by ClinVar (database versions not stated): gnomAD below 0.00001 and 0.00016; TOPMed 0.00003; gnomAD exomes 0.00031 and 0.00062; 1000 Genomes Project 0.00060; ExAC 0.00074; 1000 Genomes Project 30x 0.00125.
gnomAD v4.1: 478 of 1,612,038 alleles (0.03%); highest among the groups gnomAD compares: South Asian, 0.5%; 5 homozygotes.

Submissions (5):

Labcorp Genetics (formerly Invitae), Labcorp
Classification: Benign. Last evaluated: 2025-11-23. Review status: criteria provided, single submitter. Criteria: Invitae Variant Classification Sherloc (09022015). Collection method: clinical testing. Allele origin: germline.

Ambry Genetics
Classification: Likely benign for Inborn genetic diseases. Last evaluated: 2025-01-17. Review status: criteria provided, single submitter. Criteria: Ambry Variant Classification Scheme 2023. Collection method: clinical testing. Allele origin: germline.

CeGaT Center for Human Genetics Tuebingen
Classification: Likely benign. Last evaluated: 2024-12-01. Review status: criteria provided, single submitter. Criteria: CeGaT Center For Human Genetics Tuebingen Variant Classification Criteria Version 2. Collection method: clinical testing. Allele origin: germline. Affected: yes. Observed: 1 variant allele.
Comment: AUTS2: BS1

GeneDx
Classification: Benign. Last evaluated: 2020-09-08. Review status: criteria provided, single submitter. Criteria: GeneDx Variant Classification Process June 2021. Collection method: clinical testing. Allele origin: germline. Affected: yes.

PreventionGenetics, part of Exact Sciences
Classification: Benign for AUTS2-related condition. Last evaluated: 2022-09-08. Review status: no assertion criteria provided. Collection method: clinical testing. Allele origin: germline. Not counted in ClinVar's aggregate classification.
Comment: This variant is classified as benign based on ACMG/AMP sequence variant interpretation guidelines (Richards et al. 2015 PMID: 25741868, with internal and published modifications).